The following is an entry in ClinVar:

ClinVar aggregate classification (germline): Uncertain significance (1 of 4 stars; one submission).

Submission:

Labcorp Genetics (formerly Invitae), Labcorp
Classification: Uncertain significance. Last evaluated: 2022-04-21. Review status: criteria provided, single submitter. Criteria: Invitae Variant Classification Sherloc (09022015). Collection method: clinical testing. Allele origin: germline.
Comment: In summary, the available evidence is currently insufficient to determine the role of this variant in disease. Therefore, it has been classified as a Variant of Uncertain Significance. Algorithms developed to predict the effect of missense changes on protein structure and function are either unavailable or do not agree on the potential impact of this missense change (SIFT: "Tolerated"; PolyPhen-2: "Probably Damaging"; Align-GVGD: "Class C0"). This variant has not been reported in the literature in individuals affected with TCF20-related conditions. This variant is not present in population databases (gnomAD no frequency). This sequence change replaces proline, which is neutral and non-polar, with alanine, which is neutral and non-polar, at codon 366 of the TCF20 protein (p.Pro366Ala).

NM_001378418.1(TCF20):c.1096C>G (p.Pro366Ala)

Gene: TCF20 (transcription factor 20; minus strand). Cytogenetic location: 22q13.2.
Variant type: single nucleotide variant.
Coding change: c.1096C>G on transcript NM_001378418.1 (MANE Select); coding-DNA position 1096, C replaced by G.
Protein change: p.Pro366Ala; replaces proline 366 with alanine.
Molecular consequence: missense variant.
Genome position (GRCh38, 1-based): chr22:42,214,210, G>C on the plus strand (C>G on the coding strand, the complement: TCF20 is on the minus strand). VCF-style: chr22-42214210-G-C. GRCh37 (hg19) VCF-style: chr22-42610216-G-C.
Other names: c.1096C>G, p.Pro366Ala (NM_005650.4, NM_181492.3); short protein forms P366A.
Identifiers: ClinVar variation 2128653 (VCV002128653.4), dbSNP rs1432716373, ClinGen allele CA411791554.